The following is an entry in ClinVar:

ClinVar aggregate classification (germline): Benign (0 of 4 stars; one submission).

Conditions:
OPCML-related disorder. Also called: OPCML-related condition.

Allele frequency attached by ClinVar (database versions not stated): ExAC 0.00130; 1000 Genomes Project 0.01178; 1000 Genomes Project 30x 0.01312.
gnomAD v4.1: 1,837 of 1,275,470 alleles (0.14%); highest among the groups gnomAD compares: African/African-American, 2.5%; 19 homozygotes.

Submission:

PreventionGenetics, part of Exact Sciences
Classification: Benign for OPCML-related condition. Last evaluated: 2019-02-19. Review status: no assertion criteria provided. Collection method: clinical testing. Allele origin: germline.
Comment: This variant is classified as benign based on ACMG/AMP sequence variant interpretation guidelines (Richards et al. 2015 PMID: 25741868, with internal and published modifications).

NM_001012393.5(OPCML):c.916+937G>A

Gene: OPCML (opioid binding protein/cell adhesion molecule like; minus strand). Cytogenetic location: 11q25.
Variant type: single nucleotide variant.
Coding change: c.916+937G>A on transcript NM_001012393.5 (MANE Select); 937 bases into the intron after coding-DNA position 916, G replaced by A.
Molecular consequence: intron variant.
Genome position (GRCh38, 1-based): chr11:132,435,149, C>T on the plus strand (G>A on the coding strand, the complement: OPCML is on the minus strand). VCF-style: chr11-132435149-C-T. GRCh37 (hg19) VCF-style: chr11-132305043-C-T.
Other names: c.637+937G>A (NM_001319104.4); c.814+937G>A (NM_001319105.2); c.934+937G>A (NM_001319106.2); c.937+937G>A (NM_002545.5); c.964+10G>A (NM_001319103.2).
Identifiers: ClinVar variation 3056745 (VCV003056745.2), dbSNP rs113899050, ClinGen allele CA6367923.